The following is an entry in ClinVar:

ClinVar aggregate classification (germline): Uncertain significance (1 of 4 stars; one submission).

Allele frequency attached by ClinVar (database versions not stated): gnomAD 0.00001; ExAC 0.00002; TOPMed 0.00002; gnomAD exomes 0.00006.
gnomAD v4.1: 84 of 1,613,990 alleles (0.0052%); highest among the groups gnomAD compares: Non-Finnish European, 0.0064%; no homozygotes.

Submission:

Labcorp Genetics (formerly Invitae), Labcorp
Classification: Uncertain significance. Last evaluated: 2024-11-05. Review status: criteria provided, single submitter. Criteria: Invitae Variant Classification Sherloc (09022015). Collection method: clinical testing. Allele origin: germline.
Comment: This sequence change replaces phenylalanine, which is neutral and non-polar, with leucine, which is neutral and non-polar, at codon 229 of the TMPRSS15 protein (p.Phe229Leu). This variant is present in population databases (rs138300762, gnomAD 0.003%). This variant has not been reported in the literature in individuals affected with TMPRSS15-related conditions. ClinVar contains an entry for this variant (Variation ID: 2192620). An algorithm developed to predict the effect of missense changes on protein structure and function (PolyPhen-2) suggests that this variant is likely to be disruptive. In summary, the available evidence is currently insufficient to determine the role of this variant in disease. Therefore, it has been classified as a Variant of Uncertain Significance.

NM_002772.3(TMPRSS15):c.687T>G (p.Phe229Leu)

Gene: TMPRSS15 (transmembrane serine protease 15; minus strand). Cytogenetic location: 21q21.1.
Variant type: single nucleotide variant.
Coding change: c.687T>G on transcript NM_002772.3 (MANE Select); coding-DNA position 687, T replaced by G.
Protein change: p.Phe229Leu; replaces phenylalanine 229 with leucine.
Molecular consequence: missense variant.
Genome position (GRCh38, 1-based): chr21:18,365,226, A>C on the plus strand (T>G on the coding strand, the complement: TMPRSS15 is on the minus strand). VCF-style: chr21-18365226-A-C. GRCh37 (hg19) VCF-style: chr21-19737543-A-C.
Other names: short protein forms F229L.
Identifiers: ClinVar variation 2192620 (VCV002192620.2), dbSNP rs138300762, ClinGen allele CA9984675.